The following is an entry in ClinVar:

ClinVar aggregate classification (germline): Likely benign. Review status: criteria provided, multiple submitters, no conflicts (2 of 4 stars). 3 submissions from 3 submitters: Likely benign (3). Last evaluated 2025-06-12.

Conditions:
MYH9-related disorder. Identifiers: MedGen C1854520.

gnomAD v4.1: 31 of 1,614,178 alleles (0.0019%); highest among the groups gnomAD compares: African/African-American, 0.033%; no homozygotes.

Submissions (3):

Labcorp Genetics (formerly Invitae), Labcorp
Classification: Likely benign. Last evaluated: 2025-06-12. Review status: criteria provided, single submitter. Criteria: Invitae Variant Classification Sherloc (09022015). Collection method: clinical testing. Allele origin: germline.

PreventionGenetics, part of Exact Sciences
Classification: Likely benign for MYH9-related condition. Last evaluated: 2024-12-20. Review status: criteria provided, single submitter. Criteria: ACMG Guidelines, 2015. Collection method: clinical testing. Allele origin: germline.
Comment: This variant is classified as likely benign based on ACMG/AMP sequence variant interpretation guidelines (Richards et al. 2015 PMID: 25741868, with internal and published modifications).

Blueprint Genetics
Classification: Likely benign. Last evaluated: 2023-02-20. Review status: criteria provided, single submitter. Criteria: ACMG Guidelines, 2015. Collection method: clinical testing. Allele origin: germline.

NM_002473.6(MYH9):c.1941G>A (p.Gly647=)

Gene: MYH9 (myosin heavy chain 9; minus strand). Cytogenetic location: 22q12.3.
Variant type: single nucleotide variant.
Coding change: c.1941G>A on transcript NM_002473.6 (MANE Select); coding-DNA position 1941, G replaced by A.
Protein change: p.Gly647=; no amino-acid change (glycine 647 retained).
Molecular consequence: synonymous variant.
Genome position (GRCh38, 1-based): chr22:36,306,510, C>T on the plus strand (G>A on the coding strand, the complement: MYH9 is on the minus strand). VCF-style: chr22-36306510-C-T. GRCh37 (hg19) VCF-style: chr22-36702556-C-T.
Identifiers: ClinVar variation 3652169 (VCV003652169.4).
Genomic context (GRCh38, chr22:36,306,510, plus strand): 5'-GTTGGGGTTCGTGTTCCTCAGCGTAGCCATCAGCTTGGCCAGCTGCTCCTTGTAAAGCTG[C>T]CCCACAGTGCGGAACATGCCCTTCCGCGTCTTGAAGGCCCCGGGCAGTGCGGTCTCCGAC-3'
Protein context (NP_002464.1, residues 637-657): KTRKGMFRTV[Gly647=]QLYKEQLAKL